The following is an entry in ClinVar:

NM_006721.4(ADK):c.247A>C (p.Thr83Pro)

Gene: ADK (adenosine kinase; plus strand). Cytogenetic location: 10q22.2.
Variant type: single nucleotide variant.
Coding change: c.247A>C on transcript NM_006721.4 (MANE Select); coding-DNA position 247, A replaced by C.
Protein change: p.Thr83Pro; replaces threonine 83 with proline.
Molecular consequence: missense variant.
Genome position (GRCh38, 1-based): chr10:74,314,719, A>C. VCF-style: chr10-74314719-A-C. GRCh37 (hg19) VCF-style: chr10-76074477-A-C.
Other names: c.196A>C, p.Thr66Pro (NM_001123.4, NM_001369124.1); c.142A>C, p.Thr48Pro (NM_001202449.2); c.247A>C, p.Thr83Pro (NM_001202450.2, NM_001369123.1); short protein forms T48P, T83P, T66P.
Identifiers: ClinVar variation 2124793 (VCV002124793.4), dbSNP rs2549457774, ClinGen allele CA377397068.
Genomic context (GRCh38, chr10:74,314,719, plus strand): 5'-CCTTATAGGTTTGATGAACTTGTGAAAAAATTCAAAGTCGAATATCATGCTGGTGGCTCT[A>C]CCCAGAATTCAATTAAAGTGGCTCAGGTTGGTTAATTATTTTAAAAGTTAAAAGGATTCA-3'
Protein context (NP_006712.2, residues 73-93): FKVEYHAGGS[Thr83Pro]QNSIKVAQWM

ClinVar aggregate classification (germline): Uncertain significance (1 of 4 stars; one submission).

Submission:

Labcorp Genetics (formerly Invitae), Labcorp
Classification: Uncertain significance. Last evaluated: 2024-10-24. Review status: criteria provided, single submitter. Criteria: Invitae Variant Classification Sherloc (09022015). Collection method: clinical testing. Allele origin: germline.
Comment: This sequence change replaces threonine, which is neutral and polar, with proline, which is neutral and non-polar, at codon 66 of the ADK protein (p.Thr66Pro). This variant is not present in population databases (gnomAD no frequency). This variant has not been reported in the literature in individuals affected with ADK-related conditions. ClinVar contains an entry for this variant (Variation ID: 2124793). Invitae Evidence Modeling of protein sequence and biophysical properties (such as structural, functional, and spatial information, amino acid conservation, physicochemical variation, residue mobility, and thermodynamic stability) indicates that this missense variant is not expected to disrupt ADK protein function with a negative predictive value of 80%. In summary, the available evidence is currently insufficient to determine the role of this variant in disease. Therefore, it has been classified as a Variant of Uncertain Significance.